The following is an entry in ClinVar:

NM_001103.4(ACTN2):c.2549T>G (p.Leu850Arg)

Gene: ACTN2 (actinin alpha 2; plus strand). Cytogenetic location: 1q43.
Variant type: single nucleotide variant.
Coding change: c.2549T>G on transcript NM_001103.4 (MANE Select); coding-DNA position 2549, T replaced by G.
Protein change: p.Leu850Arg; replaces leucine 850 with arginine.
Molecular consequence: missense variant.
Genome position (GRCh38, 1-based): chr1:236,762,483, T>G. VCF-style: chr1-236762483-T-G. GRCh37 (hg19) VCF-style: chr1-236925783-T-G.
Other names: c.2549T>G, p.Leu850Arg (NM_001278343.2); c.1925T>G, p.Leu642Arg (NM_001278344.2); short protein forms L642R, L850R.
Identifiers: ClinVar variation 1482065 (VCV001482065.8), dbSNP rs2102953648, ClinGen allele CA345392115.

ClinVar aggregate classification (germline): Uncertain significance (1 of 4 stars; one submission).

Conditions:
Primary familial hypertrophic cardiomyopathy (HCM). Identifiers: Orphanet 99739, MedGen C0949658, MeSH D024741, MONDO:0024573. Inheritance: Various modes of inheritance.
Dilated cardiomyopathy 1AA (CMD1AA). Also called: CARDIOMYOPATHY, DILATED, 1AA, WITH OR WITHOUT LEFT VENTRICULAR NONCOMPACTION; CARDIOMYOPATHY, FAMILIAL HYPERTROPHIC, 23, WITH OR WITHOUT LEFT VENTRICULAR NONCOMPACTION; Cardiomyopathy, dilated, 1AA, with or without LVNC. Identifiers: Orphanet 154, MedGen C2677338, MONDO:0012808, OMIM 612158.

Submission:

Labcorp Genetics (formerly Invitae), Labcorp
Classification: Uncertain significance for Primary familial hypertrophic cardiomyopathy; Dilated cardiomyopathy 1AA. Last evaluated: 2020-11-06. Review status: criteria provided, single submitter. Criteria: Invitae Variant Classification Sherloc (09022015). Collection method: clinical testing. Allele origin: germline.
Comment: This variant is not present in population databases (ExAC no frequency). In summary, the available evidence is currently insufficient to determine the role of this variant in disease. Therefore, it has been classified as a Variant of Uncertain Significance. Advanced modeling of protein sequence and biophysical properties (such as structural, functional, and spatial information, amino acid conservation, physicochemical variation, residue mobility, and thermodynamic stability) performed at Invitae indicates that this missense variant is expected to disrupt ACTN2 protein function. This variant has not been reported in the literature in individuals with ACTN2-related conditions. This sequence change replaces leucine with arginine at codon 850 of the ACTN2 protein (p.Leu850Arg). The leucine residue is highly conserved and there is a moderate physicochemical difference between leucine and arginine.